The following is an entry in ClinVar:

ClinVar aggregate classification (germline): Uncertain significance (1 of 4 stars; one submission).

Conditions:
Ullrich congenital muscular dystrophy 2 (UCMD2). Identifiers: Orphanet 75840, MedGen C4225314, MONDO:0014654, OMIM 616470.
Bethlem myopathy 2 (BTHLM2). Identifiers: Orphanet 536516, Orphanet 610, MedGen C4225313, MONDO:0034022, OMIM 616471.

Allele frequency attached by ClinVar (database versions not stated): TOPMed below 0.00001.

Submission:

Labcorp Genetics (formerly Invitae), Labcorp
Classification: Uncertain significance for Bethlem myopathy 2; Ullrich congenital muscular dystrophy 2. Last evaluated: 2022-05-21. Review status: criteria provided, single submitter. Criteria: Invitae Variant Classification Sherloc (09022015). Collection method: clinical testing. Allele origin: germline.
Comment: In summary, the available evidence is currently insufficient to determine the role of this variant in disease. Therefore, it has been classified as a Variant of Uncertain Significance. Algorithms developed to predict the effect of missense changes on protein structure and function are either unavailable or do not agree on the potential impact of this missense change (SIFT: "Deleterious"; PolyPhen-2: "Benign"; Align-GVGD: "Class C0"). This variant has not been reported in the literature in individuals affected with COL12A1-related conditions. This variant is not present in population databases (gnomAD no frequency). This sequence change replaces serine, which is neutral and polar, with arginine, which is basic and polar, at codon 390 of the COL12A1 protein (p.Ser390Arg).

NM_004370.6(COL12A1):c.1168A>C (p.Ser390Arg)

Gene: COL12A1 (collagen type XII alpha 1 chain; minus strand). Cytogenetic location: 6q13.
Variant type: single nucleotide variant.
Coding change: c.1168A>C on transcript NM_004370.6 (MANE Select); coding-DNA position 1168, A replaced by C.
Protein change: p.Ser390Arg; replaces serine 390 with arginine.
Molecular consequence: missense variant. On other transcripts: intron variant (1).
Genome position (GRCh38, 1-based): chr6:75,183,974, T>G on the plus strand (A>C on the coding strand, the complement: COL12A1 is on the minus strand). VCF-style: chr6-75183974-T-G. GRCh37 (hg19) VCF-style: chr6-75893690-T-G.
Other names: c.73+18746A>C (NM_080645.3); short protein forms S390R.
Identifiers: ClinVar variation 1997761 (VCV001997761.4), dbSNP rs753692463, ClinGen allele CA364773191.